The following is an entry in ClinVar:

ClinVar aggregate classification (germline): Uncertain significance (1 of 4 stars; one submission).

Submission:

Women's Health and Genetics/Laboratory Corporation of America, LabCorp
Classification: Uncertain significance. Last evaluated: 2025-12-31. Review status: criteria provided, single submitter. Criteria: LabCorp Variant Classification Summary - May 2015. Collection method: clinical testing. Allele origin: germline.
Comment: Variant summary: OCLN c.1191C>G (p.His397Gln) results in a non-conservative amino acid change in the encoded protein sequence. Algorithms developed to predict the effect of missense changes on protein structure and function are either unavailable or do not agree on the potential impact of this missense change. The variant allele was found at a frequency of 2.4e-05 in 251172 control chromosomes. The available data on variant occurrences in the general population are insufficient to allow any conclusion about variant significance. To our knowledge, no occurrence of c.1191C>G in individuals affected with OCLN-related conditions and no experimental evidence demonstrating its impact on protein function have been reported. No submitters have cited clinical-significance assessments for this variant to ClinVar. Based on the evidence outlined above, the variant was classified as uncertain significance.

NM_001205254.2(OCLN):c.1191C>G (p.His397Gln)

Gene: OCLN (occludin; plus strand). Cytogenetic location: 5q13.2.
Variant type: single nucleotide variant.
Coding change: c.1191C>G on transcript NM_001205254.2 (MANE Select); coding-DNA position 1191, C replaced by G.
Protein change: p.His397Gln; replaces histidine 397 with glutamine.
Molecular consequence: missense variant.
Genome position (GRCh38, 1-based): chr5:69,545,057, C>G. VCF-style: chr5-69545057-C-G. GRCh37 (hg19) VCF-style: chr5-68840884-C-G.
Other names: c.438C>G, p.His146Gln (NM_001205255.2); c.1029C>G, p.His343Gln (NM_001410743.1, NM_001438048.1); c.1191C>G, p.His397Gln (NM_001438604.1, NM_002538.4); short protein forms H146Q, H343Q, H397Q.
Identifiers: ClinVar variation 4688752 (VCV004688752.1).